The following is an entry in ClinVar:

NM_000440.3(PDE6A):c.2096A>T (p.Gln699Leu)

Gene: PDE6A (phosphodiesterase 6A; minus strand). Cytogenetic location: 5q32.
Variant type: single nucleotide variant.
Coding change: c.2096A>T on transcript NM_000440.3 (MANE Select); coding-DNA position 2096, A replaced by T.
Protein change: p.Gln699Leu; replaces glutamine 699 with leucine.
Molecular consequence: missense variant.
Genome position (GRCh38, 1-based): chr5:149,883,468, T>A on the plus strand (A>T on the coding strand, the complement: PDE6A is on the minus strand). VCF-style: chr5-149883468-T-A. GRCh37 (hg19) VCF-style: chr5-149263031-T-A.
Other names: short protein forms Q699L.
Identifiers: ClinVar variation 1052241 (VCV001052241.10), dbSNP rs909565362, ClinGen allele CA129059218.

ClinVar aggregate classification (germline): Uncertain significance. Review status: criteria provided, multiple submitters, no conflicts (2 of 4 stars). 2 submissions from 2 submitters: Uncertain significance (2). Last evaluated 2023-12-11.

Allele frequency attached by ClinVar (database versions not stated): gnomAD exomes 0.00001.
gnomAD v4.1: 8 of 1,613,794 alleles (0.0005%); highest among the groups gnomAD compares: Middle Eastern, 0.017%; no homozygotes.

Submissions (2):

Labcorp Genetics (formerly Invitae), Labcorp
Classification: Uncertain significance. Last evaluated: 2023-12-11. Review status: criteria provided, single submitter. Criteria: Invitae Variant Classification Sherloc (09022015). Collection method: clinical testing. Allele origin: germline.
Comment: This sequence change replaces glutamine, which is neutral and polar, with leucine, which is neutral and non-polar, at codon 699 of the PDE6A protein (p.Gln699Leu). This variant is present in population databases (no rsID available, gnomAD 0.002%). This variant has not been reported in the literature in individuals affected with PDE6A-related conditions. ClinVar contains an entry for this variant (Variation ID: 1052241). An algorithm developed to predict the effect of missense changes on protein structure and function (PolyPhen-2) suggests that this variant is likely to be tolerated. In summary, the available evidence is currently insufficient to determine the role of this variant in disease. Therefore, it has been classified as a Variant of Uncertain Significance.

Blueprint Genetics
Classification: Uncertain significance. Last evaluated: 2023-07-31. Review status: criteria provided, single submitter. Criteria: ACMG Guidelines, 2015. Collection method: clinical testing. Allele origin: germline.